The following is an entry in ClinVar:

NM_007055.4(POLR3A):c.2470C>T (p.His824Tyr)

Gene: POLR3A (RNA polymerase III subunit A; minus strand). Cytogenetic location: 10q22.3.
Variant type: single nucleotide variant.
Coding change: c.2470C>T on transcript NM_007055.4 (MANE Select); coding-DNA position 2470, C replaced by T.
Protein change: p.His824Tyr; replaces histidine 824 with tyrosine.
Molecular consequence: missense variant.
Genome position (GRCh38, 1-based): chr10:78,000,984, G>A on the plus strand (C>T on the coding strand, the complement: POLR3A is on the minus strand). VCF-style: chr10-78000984-G-A. GRCh37 (hg19) VCF-style: chr10-79760742-G-A.
Other names: short protein forms H824Y.
Identifiers: ClinVar variation 1314722 (VCV001314722.3), dbSNP rs1365082077, ClinGen allele CA377336175.

ClinVar aggregate classification (germline): Uncertain significance (1 of 4 stars; one submission).

gnomAD v4.1: 4 of 1,565,482 alleles (0.00026%); highest among the groups gnomAD compares: Non-Finnish European, 0.00035%; no homozygotes.

Submission:

GeneDx
Classification: Uncertain significance. Last evaluated: 2026-08-10. Review status: criteria provided, single submitter. Criteria: GeneDx Variant Classification Process June 2021. Collection method: clinical testing. Allele origin: germline.
Comment: Not observed at significant frequency in large population cohorts (gnomAD); In silico analysis suggests that this missense variant does not alter protein structure/function; Has not been previously published as pathogenic or benign to our knowledge